The following is an entry in ClinVar:

ClinVar aggregate classification (germline): Uncertain significance (1 of 4 stars; one submission).

Submission:

Labcorp Genetics (formerly Invitae), Labcorp
Classification: Uncertain significance. Last evaluated: 2024-10-02. Review status: criteria provided, single submitter. Criteria: Invitae Variant Classification Sherloc (09022015). Collection method: clinical testing. Allele origin: germline.
Comment: This sequence change falls in intron 24 of the COL9A2 gene. It does not directly change the encoded amino acid sequence of the COL9A2 protein. It affects a nucleotide within the consensus splice site. This variant is not present in population databases (gnomAD no frequency). This variant has not been reported in the literature in individuals affected with COL9A2-related conditions. Variants that disrupt the consensus splice site are a relatively common cause of aberrant splicing (PMID: 17576681, 9536098). Algorithms developed to predict the effect of sequence changes on RNA splicing suggest that this variant may disrupt the consensus splice site. In summary, the available evidence is currently insufficient to determine the role of this variant in disease. Therefore, it has been classified as a Variant of Uncertain Significance.

Literature cited by the submitters: PubMed 17576681; PubMed 9536098.

NM_001852.4(COL9A2):c.1287+3G>C

Gene: COL9A2 (collagen type IX alpha 2 chain; minus strand). Cytogenetic location: 1p34.2.
Variant type: single nucleotide variant.
Coding change: c.1287+3G>C on transcript NM_001852.4 (MANE Select); 3 bases into the intron after coding-DNA position 1287, G replaced by C.
Molecular consequence: intron variant.
Genome position (GRCh38, 1-based): chr1:40,304,317, C>G on the plus strand (G>C on the coding strand, the complement: COL9A2 is on the minus strand). VCF-style: chr1-40304317-C-G. GRCh37 (hg19) VCF-style: chr1-40769989-C-G.
Identifiers: ClinVar variation 3652745 (VCV003652745.2).